The following is an entry in ClinVar:

NM_003000.3(SDHB):c.185A>G (p.Glu62Gly)

Gene: SDHB (succinate dehydrogenase complex iron sulfur subunit B; minus strand). Cytogenetic location: 1p36.13.
Variant type: single nucleotide variant.
Coding change: c.185A>G on transcript NM_003000.3 (MANE Select); coding-DNA position 185, A replaced by G.
Protein change: p.Glu62Gly; replaces glutamic acid 62 with glycine.
Molecular consequence: missense variant.
Genome position (GRCh38, 1-based): chr1:17,044,776, T>C on the plus strand (A>G on the coding strand, the complement: SDHB is on the minus strand). VCF-style: chr1-17044776-T-C. GRCh37 (hg19) VCF-style: chr1-17371271-T-C.
Other names: c.185A>G, p.Glu62Gly (NM_001407361.1); short protein forms E62G.
Identifiers: ClinVar variation 3758367 (VCV003758367.2).
Genomic context (GRCh38, chr1:17,044,776, plus strand): 5'-ATCAAGAACTCTCCTTCAATAGCTGGCTTTCACAGAGATACTCACTTATTAAGGTCAACT[T>C]CATAAGTCTGCATATGAGGTTTGTCTCCAGCCTTGTCTGGGTCCCATCGATAGATGGCAA-3'
Protein context (NP_002991.2, residues 52-72): AGDKPHMQTY[Glu62Gly]VDLNKCGPMV

ClinVar aggregate classification (germline): Uncertain significance (1 of 4 stars; one submission).

Conditions:
Pheochromocytoma. Also called: MAX-Related Hereditary Paraganglioma-Pheochromocytoma Syndrome. Identifiers: Orphanet 29072, MedGen C0031511, MONDO:0008233, OMIM 171300, HP:0002666.
Pheochromocytoma/paraganglioma syndrome 4. Also called: CAROTID BODY TUMORS AND MULTIPLE EXTRAADRENAL PHEOCHROMOCYTOMAS; PARAGANGLIOMA, FAMILIAL MALIGNANT; PARAGANGLIOMAS, HEREDITARY EXTRAADRENAL; PHEOCHROMOCYTOMA, FAMILIAL EXTRAADRENAL; Paragangliomas 4; SDHB-Related Hereditary Paraganglioma-Pheochromocytoma Syndrome (Paragangliomas 4). Identifiers: Orphanet 29072, MedGen C1861848, MONDO:0007273, OMIM 115310.
Gastrointestinal stromal tumor. Also called: Gastrointestinal stromal tumor, somatic; Gastrointestinal stroma tumor. Identifiers: Orphanet 44890, MedGen C0238198, MeSH D046152, MONDO:0011719, OMIM 606764, HP:0100723.

Submission:

Labcorp Genetics (formerly Invitae), Labcorp
Classification: Uncertain significance for Gastrointestinal stromal tumor; Pheochromocytoma/paraganglioma syndrome 4; Pheochromocytoma. Last evaluated: 2024-12-10. Review status: criteria provided, single submitter. Criteria: Invitae Variant Classification Sherloc (09022015). Collection method: clinical testing. Allele origin: germline.
Comment: This sequence change replaces glutamic acid, which is acidic and polar, with glycine, which is neutral and non-polar, at codon 62 of the SDHB protein (p.Glu62Gly). This variant is not present in population databases (gnomAD no frequency). This variant has not been reported in the literature in individuals affected with SDHB-related conditions. Invitae Evidence Modeling of protein sequence and biophysical properties (such as structural, functional, and spatial information, amino acid conservation, physicochemical variation, residue mobility, and thermodynamic stability) indicates that this missense variant is not expected to disrupt SDHB protein function with a negative predictive value of 80%. In summary, the available evidence is currently insufficient to determine the role of this variant in disease. Therefore, it has been classified as a Variant of Uncertain Significance.